The following is an entry in ClinVar:

NC_000005.10:g.(?_128408654)_(128530713_?)del

Genes: FBN2 (fibrillin 2; minus strand), LOC126807502 (BRD4-independent group 4 enhancer GRCh37_chr5:127772173-127773372; plus strand). Cytogenetic location: 5q23.3.
Variant type: Deletion.
Identifiers: ClinVar variation 528451 (VCV000528451.3).

ClinVar aggregate classification (germline): Uncertain significance (1 of 4 stars; one submission).

Conditions:
Congenital contractural arachnodactyly (CCA). Also called: Beals-Hecht syndrome; BEALS SYNDROME; Arthrogryposis, distal, type 9. Identifiers: Orphanet 115, MedGen C0220668, MONDO:0007363, OMIM 121050.

Submission:

Labcorp Genetics (formerly Invitae), Labcorp
Classification: Uncertain significance for Congenital contractural arachnodactyly. Last evaluated: 2019-05-11. Review status: criteria provided, single submitter. Criteria: Invitae Variant Classification Sherloc (09022015). Collection method: clinical testing. Allele origin: germline.
Comment: This variant is an in-frame deletion of the genomic region encompassing exons 3-8 of the FBN2 gene. It preserves the integrity of the reading frame. This variant has not been reported in the literature in individuals with FBN2-related disease. In summary, the available evidence is currently insufficient to determine the role of this variant in disease. Therefore, it has been classified as a Variant of Uncertain Significance.